The following is an entry in ClinVar:

ClinVar aggregate classification (germline): Uncertain significance (1 of 4 stars; one submission).

Conditions:
Fanconi anemia (FA). Also called: Fanconi's anemia. Identifiers: Orphanet 84, MedGen C0015625, MeSH D005199, MONDO:0019391.

gnomAD v4.1: 9 of 1,611,210 alleles (0.00056%); highest among the groups gnomAD compares: South Asian, 0.0011%; no homozygotes.

Submission:

Labcorp Genetics (formerly Invitae), Labcorp
Classification: Uncertain significance for Fanconi anemia. Last evaluated: 2025-10-02. Review status: criteria provided, single submitter. Criteria: Invitae Variant Classification Sherloc (09022015). Collection method: clinical testing. Allele origin: germline.
Comment: This sequence change replaces leucine, which is neutral and non-polar, with phenylalanine, which is neutral and non-polar, at codon 782 of the SLX4 protein (p.Leu782Phe). This variant is present in population databases (rs760373571, gnomAD 0.009%). This variant has not been reported in the literature in individuals affected with SLX4-related conditions. An algorithm developed to predict the effect of missense changes on protein structure and function (PolyPhen-2) suggests that this variant is likely to be disruptive. In summary, the available evidence is currently insufficient to determine the role of this variant in disease. Therefore, it has been classified as a Variant of Uncertain Significance.

NM_032444.4(SLX4):c.2344C>T (p.Leu782Phe)

Gene: SLX4 (SLX4 structure-specific endonuclease subunit; minus strand). Cytogenetic location: 16p13.3.
Variant type: single nucleotide variant.
Coding change: c.2344C>T on transcript NM_032444.4 (MANE Select); coding-DNA position 2344, C replaced by T.
Protein change: p.Leu782Phe; replaces leucine 782 with phenylalanine.
Molecular consequence: missense variant.
Genome position (GRCh38, 1-based): chr16:3,591,294, G>A on the plus strand (C>T on the coding strand, the complement: SLX4 is on the minus strand). VCF-style: chr16-3591294-G-A. GRCh37 (hg19) VCF-style: chr16-3641295-G-A.
Other names: short protein forms L782F.
Identifiers: ClinVar variation 4804905 (VCV004804905.1).
Genomic context (GRCh38, chr16:3,591,294, plus strand): 5'-CCTCCCATGGTTTGCCCTCTGAGTCAGTGGCAATAGGCACCTGTTCGCACAGGTGAACGA[G>A]CTCACTCACGCCAAACCTGCAACACGAAACATCGACAGTCATCGCCCCTCTGCGTGGAGA-3'
Protein context (NP_115820.2, residues 772-792): SLAHRFGVSE[Leu782Phe]VHLCEQVPIA